The following is an entry in ClinVar:

ClinVar aggregate classification (germline): Uncertain significance. Review status: criteria provided, multiple submitters, no conflicts (2 of 4 stars). 2 submissions from 2 submitters: Uncertain significance (2). Last evaluated 2024-02-14.

Conditions:
Spermatogenic failure 18. Identifiers: MedGen C4539783, MONDO:0054615, OMIM 617576.
Ciliary dyskinesia, primary, 37 (CILD37). Also called: CILIARY DYSKINESIA, PRIMARY, 37, WITH OR WITHOUT SITUS INVERSUS. Identifiers: MedGen C4539798, MONDO:0033204, OMIM 617577.

Allele frequency attached by ClinVar (database versions not stated): ExAC 0.00002; gnomAD exomes 0.00004 and 0.00005; TOPMed 0.00004; gnomAD 0.00007.
gnomAD v4.1: 65 of 1,613,668 alleles (0.004%); highest among the groups gnomAD compares: Admixed American, 0.017%; no homozygotes.

Submissions (2):

GeneDx
Classification: Uncertain significance. Last evaluated: 2024-02-14. Review status: criteria provided, single submitter. Criteria: GeneDx Variant Classification Process June 2021. Collection method: clinical testing. Allele origin: germline. Affected: yes.
Comment: In silico analysis supports that this missense variant has a deleterious effect on protein structure/function; Has not been previously published as pathogenic or benign to our knowledge

Labcorp Genetics (formerly Invitae), Labcorp
Classification: Uncertain significance for Ciliary dyskinesia, primary, 37; Spermatogenic failure 18. Last evaluated: 2022-08-10. Review status: criteria provided, single submitter. Criteria: Invitae Variant Classification Sherloc (09022015). Collection method: clinical testing. Allele origin: germline.
Comment: This sequence change replaces arginine, which is basic and polar, with cysteine, which is neutral and slightly polar, at codon 574 of the DNAH1 protein (p.Arg574Cys). This variant is present in population databases (rs759820286, gnomAD 0.03%). This variant has not been reported in the literature in individuals affected with DNAH1-related conditions. ClinVar contains an entry for this variant (Variation ID: 952161). Algorithms developed to predict the effect of missense changes on protein structure and function are either unavailable or do not agree on the potential impact of this missense change (SIFT: "Deleterious"; PolyPhen-2: "Possibly Damaging"; Align-GVGD: "Class C0"). In summary, the available evidence is currently insufficient to determine the role of this variant in disease. Therefore, it has been classified as a Variant of Uncertain Significance.

NM_015512.5(DNAH1):c.1720C>T (p.Arg574Cys)

Gene: DNAH1 (dynein axonemal heavy chain 1; plus strand). Cytogenetic location: 3p21.1.
Variant type: single nucleotide variant.
Coding change: c.1720C>T on transcript NM_015512.5 (MANE Select); coding-DNA position 1720, C replaced by T.
Protein change: p.Arg574Cys; replaces arginine 574 with cysteine.
Molecular consequence: missense variant.
Genome position (GRCh38, 1-based): chr3:52,346,535, C>T. VCF-style: chr3-52346535-C-T. GRCh37 (hg19) VCF-style: chr3-52380551-C-T.
Other names: short protein forms R574C.
Identifiers: ClinVar variation 952161 (VCV000952161.5), dbSNP rs759820286, ClinGen allele CA2433037.
Genomic context (GRCh38, chr3:52,346,535, plus strand): 5'-CAGATGTTCCTCAAGGACAGCTGGATCAGCTCGCTAAAGGTGGCCATGCGCAGCAGCCTG[C>T]GCGACATGAGCAAGGGCTGGTACAACCTCTACGAGACCAACTGGGAGGTGTACCTCATGT-3'
Protein context (NP_056327.4, residues 564-584): SLKVAMRSSL[Arg574Cys]DMSKGWYNLY